The following is an entry in ClinVar:

NM_015570.4(AUTS2):c.128C>T (p.Thr43Ile)

Genes: AUTS2 (activator of transcription and developmental regulator AUTS2; plus strand), LOC129998550 (ATAC-STARR-seq lymphoblastoid silent region 18224; plus strand). Cytogenetic location: 7q11.22.
Variant type: single nucleotide variant.
Coding change: c.128C>T on transcript NM_015570.4 (MANE Select); coding-DNA position 128, C replaced by T.
Protein change: p.Thr43Ile; replaces threonine 43 with isoleucine.
Molecular consequence: missense variant.
Genome position (GRCh38, 1-based): chr7:69,599,781, C>T. VCF-style: chr7-69599781-C-T. GRCh37 (hg19) VCF-style: chr7-69064767-C-T.
Other names: c.128C>T, p.Thr43Ile (NM_001127231.3, NM_001127232.3); c.128C>T (NM_015570.3); short protein forms T43I.
Identifiers: ClinVar variation 2439430 (VCV002439430.4), dbSNP rs945733678, ClinGen allele CA160529080.

ClinVar aggregate classification (germline): Uncertain significance. Review status: criteria provided, single submitter (1 of 4 stars). 2 submissions from 2 submitters: Uncertain significance (1). 1 of the submissions does not count toward it. Last evaluated 2021-04-19.

Conditions:
AUTS2-related disorder. Also called: AUTS2-related condition.
Autism spectrum disorder due to AUTS2 deficiency (MRD26). Also called: INTELLECTUAL DEVELOPMENTAL DISORDER, AUTOSOMAL DOMINANT 26. Identifiers: Orphanet 352490, MedGen C4014435, MONDO:0014361, OMIM 615834.

Allele frequency attached by ClinVar (database versions not stated): gnomAD exomes 0.00001; TOPMed 0.00001.
gnomAD v4.1: 3 of 1,535,496 alleles (0.0002%); highest among the groups gnomAD compares: Non-Finnish European, 0.00026%; no homozygotes.

Submissions (2):

Revvity Omics, Revvity
Classification: Uncertain significance for Autism spectrum disorder due to AUTS2 deficiency. Last evaluated: 2021-04-19. Review status: criteria provided, single submitter. Criteria: ACMG Guidelines, 2015. Collection method: clinical testing. Allele origin: germline.

PreventionGenetics, part of Exact Sciences
Classification: Uncertain significance for AUTS2-related condition. Last evaluated: 2024-05-21. Review status: no assertion criteria provided. Collection method: clinical testing. Allele origin: germline. Not counted in ClinVar's aggregate classification.
Comment: The AUTS2 c.128C>T variant is predicted to result in the amino acid substitution p.Thr43Ile. To our knowledge, this variant has not been reported in the literature or in a large population database, indicating this variant is rare. At this time, the clinical significance of this variant is uncertain due to the absence of conclusive functional and genetic evidence.